The following is an entry in ClinVar:

NM_003108.4(SOX11):c.675CGA[10] (p.Asp233_Glu234insAsp)

Gene: SOX11 (SRY-box transcription factor 11; plus strand). Cytogenetic location: 2p25.2.
Variant type: Microsatellite.
Coding change: c.675CGA[10] on transcript NM_003108.4 (MANE Select); ten copies in a row of the 3-base unit CGA starting at c.675; the reference has nine copies in a row; one copy, 3 bases duplicated.
Protein change: p.Asp233_Glu234insAsp.
Molecular consequence: inframe insertion.
Genome position (GRCh38, 1-based): chr2:5,693,420-5,693,422, CGA duplicated; duplicating any 3 consecutive bases within chr2:5,693,394-5,693,422 gives the same sequence; the position shown is the placement nearest the transcript's 3' end. VCF-style (leftmost placement, unchanged base first): chr2-5693393-G-GGAC. GRCh37 (hg19) VCF-style: chr2-5833525-G-GGAC.
Identifiers: ClinVar variation 2057955 (VCV002057955.27), dbSNP rs746846042, ClinGen allele CA1517886.

ClinVar aggregate classification (germline): Likely benign. Review status: criteria provided, multiple submitters, no conflicts (2 of 4 stars). 4 submissions from 4 submitters: Likely benign (3). 1 of the submissions does not count toward it. Last evaluated 2026-01-27.

Conditions:
Inborn genetic diseases. Identifiers: MedGen C0950123, MeSH D030342.
SOX11-related disorder. Also called: SOX11-related condition.

Submissions (4):

Labcorp Genetics (formerly Invitae), Labcorp
Classification: Likely benign. Last evaluated: 2026-01-27. Review status: criteria provided, single submitter. Criteria: Invitae Variant Classification Sherloc (09022015). Collection method: clinical testing. Allele origin: germline.

CeGaT Center for Human Genetics Tuebingen
Classification: Likely benign. Last evaluated: 2024-03-01. Review status: criteria provided, single submitter. Criteria: CeGaT Center For Human Genetics Tuebingen Variant Classification Criteria Version 2. Collection method: clinical testing. Allele origin: germline. Affected: yes. Observed: 1 variant allele.
Comment: SOX11: BS2

Ambry Genetics
Classification: Likely benign for Inborn genetic diseases. Last evaluated: 2021-07-13. Review status: criteria provided, single submitter. Criteria: Ambry Variant Classification Scheme 2023. Collection method: clinical testing. Allele origin: germline.

PreventionGenetics, part of Exact Sciences
Classification: Likely benign for SOX11-related condition. Last evaluated: 2022-05-06. Review status: no assertion criteria provided. Collection method: clinical testing. Allele origin: germline. Not counted in ClinVar's aggregate classification.
Comment: This variant is classified as likely benign based on ACMG/AMP sequence variant interpretation guidelines (Richards et al. 2015 PMID: 25741868, with internal and published modifications).